The following is an entry in ClinVar:

ClinVar aggregate classification (germline): Uncertain significance (1 of 4 stars; one submission).

Conditions:
Chédiak-Higashi syndrome (CHS). Also called: Chediak-Higashi Syndrome. Identifiers: Orphanet 167, MedGen C0007965, MONDO:0008963, OMIM 214500.

Allele frequency attached by ClinVar (database versions not stated): gnomAD exomes below 0.00001; gnomAD 0.00001; TOPMed 0.00001.
gnomAD v4.1: 8 of 1,613,710 alleles (0.0005%); highest among the groups gnomAD compares: Non-Finnish European, 0.00068%; no homozygotes.

Submission:

Labcorp Genetics (formerly Invitae), Labcorp
Classification: Uncertain significance for Chédiak-Higashi syndrome. Last evaluated: 2022-04-29. Review status: criteria provided, single submitter. Criteria: Invitae Variant Classification Sherloc (09022015). Collection method: clinical testing. Allele origin: germline.
Comment: This sequence change replaces cysteine, which is neutral and slightly polar, with tyrosine, which is neutral and polar, at codon 1483 of the LYST protein (p.Cys1483Tyr). This variant is present in population databases (no rsID available, gnomAD 0.002%). This variant has not been reported in the literature in individuals affected with LYST-related conditions. Algorithms developed to predict the effect of missense changes on protein structure and function output the following: SIFT: "Tolerated"; PolyPhen-2: "Benign"; Align-GVGD: "Class C0". The tyrosine amino acid residue is found in multiple mammalian species, which suggests that this missense change does not adversely affect protein function. In summary, the available evidence is currently insufficient to determine the role of this variant in disease. Therefore, it has been classified as a Variant of Uncertain Significance.

NM_000081.4(LYST):c.4448G>A (p.Cys1483Tyr)

Gene: LYST (lysosomal trafficking regulator; minus strand). Cytogenetic location: 1q42.3.
Variant type: single nucleotide variant.
Coding change: c.4448G>A on transcript NM_000081.4 (MANE Select); coding-DNA position 4448, G replaced by A.
Protein change: p.Cys1483Tyr; replaces cysteine 1483 with tyrosine.
Molecular consequence: missense variant.
Genome position (GRCh38, 1-based): chr1:235,791,794, C>T on the plus strand (G>A on the coding strand, the complement: LYST is on the minus strand). VCF-style: chr1-235791794-C-T. GRCh37 (hg19) VCF-style: chr1-235955094-C-T.
Other names: c.4448G>A, p.Cys1483Tyr (NM_001301365.1); short protein forms C1483Y.
Identifiers: ClinVar variation 1898495 (VCV001898495.2), dbSNP rs1483995839, ClinGen allele CA344959380.
Genomic context (GRCh38, chr1:235,791,794, plus strand): 5'-GATTTGTTTCTTTTCTTTATCTTCTTTCCTTTTTCTGTAGTACTCTCAGCTTCATGGATA[C>T]ACTCCACATTAAACCACAGGGAAACACTGAAACCTTCTGATAGGTGTGGCCAGCAGTTTT-3'
Protein context (NP_000072.2, residues 1473-1493): FSVSLWFNVE[Cys1483Tyr]IHEAESTTEK